The following is an entry in ClinVar:

NM_001369.3(DNAH5):c.6409C>A (p.Leu2137Ile)

Gene: DNAH5 (dynein axonemal heavy chain 5; minus strand). Cytogenetic location: 5p15.2.
Variant type: single nucleotide variant.
Coding change: c.6409C>A on transcript NM_001369.3 (MANE Select); coding-DNA position 6409, C replaced by A.
Protein change: p.Leu2137Ile; replaces leucine 2137 with isoleucine.
Molecular consequence: missense variant.
Genome position (GRCh38, 1-based): chr5:13,829,545, G>T on the plus strand (C>A on the coding strand, the complement: DNAH5 is on the minus strand). VCF-style: chr5-13829545-G-T. GRCh37 (hg19) VCF-style: chr5-13829654-G-T.
Other names: short protein forms L2137I.
Identifiers: ClinVar variation 407252 (VCV000407252.17), dbSNP rs181884470, ClinGen allele CA3203415.

ClinVar aggregate classification (germline): Conflicting classifications of pathogenicity. Review status: criteria provided, conflicting classifications (1 of 4 stars). 4 submissions from 4 submitters: Uncertain significance (1); Likely benign (2). 1 of the submissions does not count toward it. Last evaluated 2025-12-17.

Conditions:
Primary ciliary dyskinesia. Also called: Ciliary dyskinesia. Identifiers: Orphanet 244, MedGen C0008780, MONDO:0016575, HP:0012265.

Allele frequency attached by ClinVar (database versions not stated): ExAC 0.00002; gnomAD exomes 0.00002 and 0.00003; gnomAD 0.00035 and 0.00039; 1000 Genomes Project 0.00040; 1000 Genomes Project 30x 0.00047; TOPMed 0.00073.
gnomAD v4.1: 94 of 1,614,146 alleles (0.0058%); highest among the groups gnomAD compares: Admixed American, 0.12%; 1 homozygote.

Submissions (4):

Labcorp Genetics (formerly Invitae), Labcorp
Classification: Likely benign for Primary ciliary dyskinesia. Last evaluated: 2025-12-17. Review status: criteria provided, single submitter. Criteria: Invitae Variant Classification Sherloc (09022015). Collection method: clinical testing. Allele origin: germline.

Ambry Genetics
Classification: Uncertain significance for Primary ciliary dyskinesia. Last evaluated: 2015-08-11. Review status: criteria provided, single submitter. Criteria: Ambry Variant Classification Scheme 2023. Collection method: clinical testing. Allele origin: germline.
Comment: The p.L2137I variant (also known as c.6409C>A), located in coding exon 38 of the DNAH5 gene, results from a C to A substitution at nucleotide position 6409. The leucine at codon 2137 is replaced by isoleucine, an amino acid with highly similar properties. This variant was previously reported in the SNPDatabase as rs181884470. Based on data from the 1000 Genomes Project, the A allele has an overall frequency of approximately 0.1% (2/2098) total alleles studied. The highest observed frequency was 1.82% (2/110) Puerto Rican alleles. This amino acid position is highly conserved in available vertebrate species. In addition, the in silico prediction for this alteration is inconclusive. Since clinical data on this variant is limited at this time, its clinical significance is unclear.

Breakthrough Genomics
Classification: Likely benign. Review status: criteria provided, single submitter. Criteria: ACMG Guidelines, 2015. Collection method: not provided. Allele origin: germline. Inheritance: Autosomal recessive inheritance. Affected: yes.

Natera, Inc.
Classification: Uncertain significance for Primary ciliary dyskinesia. Last evaluated: 2019-10-28. Review status: no assertion criteria provided. Collection method: clinical testing. Allele origin: germline. Not counted in ClinVar's aggregate classification.